The following is an entry in ClinVar:

NM_003242.6(TGFBR2):c.1591G>A (p.Ala531Thr)

Gene: TGFBR2 (transforming growth factor beta receptor 2; plus strand). Cytogenetic location: 3p24.1.
Variant type: single nucleotide variant.
Coding change: c.1591G>A on transcript NM_003242.6 (MANE Select); coding-DNA position 1591, G replaced by A.
Protein change: p.Ala531Thr; replaces alanine 531 with threonine.
Molecular consequence: missense variant.
Genome position (GRCh38, 1-based): chr3:30,691,486, G>A. VCF-style: chr3-30691486-G-A. GRCh37 (hg19) VCF-style: chr3-30732978-G-A.
Other names: c.1588G>A, p.Ala530Thr (NM_001407130.1); c.1486G>A, p.Ala496Thr (NM_001407132.1, NM_001407133.1, NM_001407134.1 and 2 more transcripts); c.1306G>A, p.Ala436Thr (NM_001407137.1); c.1231G>A, p.Ala411Thr (NM_001407138.1); c.721G>A, p.Ala241Thr (NM_001407139.1); c.1666G>A, p.Ala556Thr (NM_001024847.3); c.1774G>A, p.Ala592Thr (NM_001407126.1); c.1699G>A, p.Ala567Thr (NM_001407127.1); and 2 more; short protein forms A531T, A556T, A496T, A530T, A540T, A411T, A436T, A532T.
Identifiers: ClinVar variation 165399 (VCV000165399.20), dbSNP rs727503477, ClinGen allele CA020734.
Genomic context (GRCh38, chr3:30,691,486, plus strand): 5'-CAGATGGTGTGTGAGACGTTGACTGAGTGCTGGGACCACGACCCAGAGGCCCGTCTCACA[G>A]CCCAGTGTGTGGCAGAACGCTTCAGTGAGCTGGAGCATCTGGACAGGCTCTCGGGGAGGA-3'
Protein context (NP_003233.4, residues 521-541): WDHDPEARLT[Ala531Thr]QCVAERFSEL

ClinVar aggregate classification (germline): Conflicting classifications of pathogenicity. Review status: criteria provided, conflicting classifications (1 of 4 stars). 8 submissions from 8 submitters: Likely pathogenic (7); Uncertain significance (1). Last evaluated 2025-10-02.

Conditions:
TGFBR2-related disorder. Also called: TGFBR2-related condition.
Familial thoracic aortic aneurysm and aortic dissection (TAAD). Also called: Thoracic aortic aneurysms and dissections. Identifiers: Orphanet 91387, MedGen C4707243, MONDO:0019625.
Loeys-Dietz syndrome (LDS). Identifiers: Orphanet 60030, MedGen C2697932, MONDO:0018954.
Loeys-Dietz syndrome 2 (LDS2). Also called: TGFBR2-Related Loeys-Dietz Syndrome; Marfan syndrome, type 2 (formerly); AORTIC ANEURYSM, FAMILIAL THORACIC 3; MARFAN SYNDROME, TYPE II; Marfan Syndrome type 2; Marfan like connective tissue disorder. Identifiers: Orphanet 284973, Orphanet 558, MedGen C2674574, MONDO:0012427, OMIM 610168.

Allele frequency attached by ClinVar (database versions not stated): gnomAD exomes 0.00001.
gnomAD v4.1: 3 of 1,614,166 alleles (0.00019%); highest among the groups gnomAD compares: Non-Finnish European, 0.00025%; no homozygotes.

Submissions (8):

Ambry Genetics
Classification: Likely pathogenic for Familial thoracic aortic aneurysm and aortic dissection. Last evaluated: 2025-10-02. Review status: criteria provided, single submitter. Criteria: Ambry Variant Classification Scheme 2023. Collection method: clinical testing. Allele origin: germline.
Comment: The p.A531T variant (also known as c.1591G>A), located in coding exon 7 of the TGFBR2 gene, results from a G to A substitution at nucleotide position 1591. The alanine at codon 531 is replaced by threonine, an amino acid with similar properties, and is located in the kinase domain. This variant was reported in individual(s) with features consistent with Marfan syndrome, Loeys-Dietz syndrome (LDS) or thoracic aortic aneurysm and dissection (TAAD), and segregated with disease in at least one family (Lerner-Ellis JP et al. Mol. Genet. Metab., 2014 Jun;112:171-6; Ambry internal data; external lab pers. comm.). Based on internal structural analysis, this variant is anticipated to result in a significant decrease in structural stability (Tebben AJ et al. Acta Crystallogr D Struct Biol. 2016 05;72(Pt 5):658-74). This amino acid position is highly conserved in available vertebrate species. In addition, this alteration is predicted to be deleterious by in silico analysis. This variant is considered to be rare based on population cohorts in the Genome Aggregation Database (gnomAD). Based on the majority of available evidence to date, this variant is likely to be pathogenic.

Labcorp Genetics (formerly Invitae), Labcorp
Classification: Likely pathogenic for Familial thoracic aortic aneurysm and aortic dissection. Last evaluated: 2025-05-13. Review status: criteria provided, single submitter. Criteria: Invitae Variant Classification Sherloc (09022015). Collection method: clinical testing. Allele origin: germline.
Comment: This sequence change replaces alanine, which is neutral and non-polar, with threonine, which is neutral and polar, at codon 531 of the TGFBR2 protein (p.Ala531Thr). This variant is not present in population databases (gnomAD no frequency). This missense change has been observed in individuals with clinical features of TGFBR2-related conditions (PMID: 24793577, 32887874, 36103205; internal data). ClinVar contains an entry for this variant (Variation ID: 165399). Invitae Evidence Modeling of protein sequence and biophysical properties (such as structural, functional, and spatial information, amino acid conservation, physicochemical variation, residue mobility, and thermodynamic stability) indicates that this missense variant is expected to disrupt TGFBR2 protein function with a positive predictive value of 95%. In summary, the currently available evidence indicates that the variant is pathogenic, but additional data are needed to prove that conclusively. Therefore, this variant has been classified as Likely Pathogenic.

Blueprint Genetics
Classification: Likely pathogenic for TGFBR2-related disorders. Last evaluated: 2024-11-20. Review status: criteria provided, single submitter. Criteria: ACMG Guidelines, 2015. Collection method: clinical testing. Allele origin: germline. Affected: yes. Observed: 5 variant alleles.

All of Us Research Program, National Institutes of Health
Classification: Likely pathogenic for Loeys-Dietz syndrome 2. Last evaluated: 2024-01-05. Review status: criteria provided, single submitter. Criteria: ACMG Guidelines, 2015. Collection method: clinical testing. Allele origin: germline. Inheritance: Autosomal dominant inheritance. Observed: 1 variant allele, 1 heterozygote.
Comment: The c.1591G>A (p.Ala531Thr) variant in the TGFBR2 gene that encodes for transforming growth factor beta receptor 2, has been identified in individuals affected with TGFR2-related conditions including thoracic aortic aneurysm and dissection (TAAD), spontaneous coronary artery dissection, aneurysm and Loeys-Dietz syndrome (PMID: 24793577, 32887874, 36103205) and segregated with familial TAAD and/or features of Loeys-Dietz syndrome (ClinVar [ID: 165399, Accession: SCV000200581]). In-silico computational prediction tools suggest that the p.Ala531Thr variant may have deleterious effect on the protein function (REVEL score: 0.837).This variant is found to be absent in the general population database, gnomAD. ClinVar has an entry for this variant (ID: 165399). Therefore, the c.1591G>A (p.Ala531Thr) variant in the TGFBR2 gene is classified as likely pathogenic.

This study involves interpretation of variants in research participants for the purpose of population health screening. Participant phenotype was not available at the time of variant classification. Additional details can be found in publication PMID: 35346344, PMCID: PMC8962531

Color Diagnostics, LLC DBA Color Health
Classification: Likely pathogenic for Familial thoracic aortic aneurysm and aortic dissection. Last evaluated: 2023-09-08. Review status: criteria provided, single submitter. Criteria: ACMG Guidelines, 2015. Collection method: clinical testing. Allele origin: germline.
Comment: This missense variant replaces alanine with threonine at codon 531 of the TGFBR2 protein. Computational prediction suggests that this variant may have deleterious impact on protein structure and function (internally defined REVEL score threshold >= 0.7, PMID: 27666373). To our knowledge, functional studies have not been reported for this variant. This variant has been observed in an individual affected with thoracic aortic aneurysm and aortic dissection (TAAD) and segregated with TAAD and/or features of Loeys-Dietz syndrome in 5 affected relatives including two obligate carriers (ClinVar submission ID: SCV000200581.5). This variant has also been reported in an additional unrelated individual with Loeys-Dietz syndrome (PMID: 32887874) and in an individual suspected of having TAAD, Loeys-Dietz syndrome or Marfan syndrome (PMID: 24793577). This variant has not been identified in the general population by the Genome Aggregation Database (gnomAD). Based on the available evidence, this variant is classified as Likely Pathogenic.

PreventionGenetics, part of Exact Sciences
Classification: Likely pathogenic for TGFBR2-related condition. Last evaluated: 2023-07-21. Review status: criteria provided, single submitter. Criteria: ACMG Guidelines, 2015. Collection method: clinical testing. Allele origin: germline.
Comment: The TGFBR2 c.1591G>A variant is predicted to result in the amino acid substitution p.Ala531Thr. This variant was reported in two patients with Loeys-Dietz syndrome (Table S1, Lerner-Ellis. 2014. PubMed ID: 24793577; Saw. 2020. PubMed ID: 32887874). This variant is listed in ClinVar as uncertain and likely pathogenic, and was reported to segregate with TAAD and/or Loeys-Dietz syndrome in six family members undergoing testing in a different laboratory. This variant is interpreted as likely pathogenic.

GeneDx
Classification: Uncertain significance. Last evaluated: 2022-06-27. Review status: criteria provided, single submitter. Criteria: GeneDx Variant Classification Process June 2021. Collection method: clinical testing. Allele origin: germline. Affected: yes.
Comment: Identified in an individual with suspected Loeys-Dietz syndrome and in an individual with spontaneous coronary artery dissection, however segregation and detailed clinical information were not provided in either case (Lerner-Ellis et al., 2014; Saw et al., 2020); In silico analysis supports that this missense variant has a deleterious effect on protein structure/function; Not observed at significant frequency in large population cohorts (gnomAD); This variant is associated with the following publications: (PMID: 32887874, 24793577)

Laboratory for Molecular Medicine, Mass General Brigham Personalized Medicine
Classification: Likely pathogenic for Loeys-Dietz syndrome; Familial thoracic aortic aneurysm and aortic dissection. Last evaluated: 2014-08-19. Review status: criteria provided, single submitter. Criteria: LMM Criteria. Collection method: clinical testing. Allele origin: germline. Inheritance: Autosomal dominant inheritance. Observed: 7 variant alleles.
Comment: It was absent from large po pulation studies. Computational prediction tools and conservation analysis sugge st that the Ala531Thr variant may impact the protein, though this information is not predictive enough to determine pathogenicity. In summary, although addition al studies are required to fully establish its clinical significance, the Ala531 Thr variant is classified as likely pathogenic based on the segregation data.

Literature cited by the submitters: PubMed 24793577 (cited by 4 submitters); PubMed 27139629 (cited by Ambry Genetics); PubMed 32887874 (cited by 4 submitters); PubMed 36103205 (cited by Labcorp Genetics (formerly Invitae), Labcorp and All of Us Research Program, National Institutes of Health).